The following is an entry in ClinVar:

ClinVar aggregate classification (germline): Uncertain significance (1 of 4 stars; one submission).

Conditions:
Brugada syndrome 8 (BRGDA8). Identifiers: Orphanet 130, MedGen C2751083, MONDO:0013148, OMIM 613123.

Allele frequency attached by ClinVar (database versions not stated): gnomAD 0.00001.

Submission:

Labcorp Genetics (formerly Invitae), Labcorp
Classification: Uncertain significance for Brugada syndrome 8. Last evaluated: 2022-03-23. Review status: criteria provided, single submitter. Criteria: Invitae Variant Classification Sherloc (09022015). Collection method: clinical testing. Allele origin: germline.
Comment: This variant has not been reported in the literature in individuals affected with HCN4-related conditions. This variant is not present in population databases (gnomAD no frequency). Advanced modeling of protein sequence and biophysical properties (such as structural, functional, and spatial information, amino acid conservation, physicochemical variation, residue mobility, and thermodynamic stability) performed at Invitae indicates that this missense variant is not expected to disrupt HCN4 protein function. This sequence change replaces glycine, which is neutral and non-polar, with cysteine, which is neutral and slightly polar, at codon 916 of the HCN4 protein (p.Gly916Cys). In summary, the available evidence is currently insufficient to determine the role of this variant in disease. Therefore, it has been classified as a Variant of Uncertain Significance.

NM_005477.3(HCN4):c.2746G>T (p.Gly916Cys)

Gene: HCN4 (hyperpolarization activated cyclic nucleotide gated potassium channel 4; minus strand). Cytogenetic location: 15q24.1.
Variant type: single nucleotide variant.
Coding change: c.2746G>T on transcript NM_005477.3 (MANE Select); coding-DNA position 2746, G replaced by T.
Protein change: p.Gly916Cys; replaces glycine 916 with cysteine.
Molecular consequence: missense variant.
Genome position (GRCh38, 1-based): chr15:73,323,347, C>A on the plus strand (G>T on the coding strand, the complement: HCN4 is on the minus strand). VCF-style: chr15-73323347-C-A. GRCh37 (hg19) VCF-style: chr15-73615688-C-A.
Other names: short protein forms G916C.
Identifiers: ClinVar variation 2189476 (VCV002189476.4), dbSNP rs1595819830, ClinGen allele CA393088191.